The following is an entry in ClinVar:

ClinVar aggregate classification (germline): Uncertain significance. Review status: criteria provided, multiple submitters, no conflicts (2 of 4 stars). 2 submissions from 2 submitters: Uncertain significance (2). Last evaluated 2024-12-23.

Conditions:
Cardiovascular phenotype. Identifiers: MedGen CN230736.

gnomAD v4.1: 4 of 1,549,984 alleles (0.00026%); highest among the groups gnomAD compares: Non-Finnish European, 0.00026%; no homozygotes.

Submissions (2):

Labcorp Genetics (formerly Invitae), Labcorp
Classification: Uncertain significance. Last evaluated: 2024-12-23. Review status: criteria provided, single submitter. Criteria: Invitae Variant Classification Sherloc (09022015). Collection method: clinical testing. Allele origin: germline.
Comment: This sequence change replaces threonine, which is neutral and polar, with alanine, which is neutral and non-polar, at codon 2265 of the ZNF469 protein (p.Thr2265Ala). This variant is present in population databases (no rsID available, gnomAD 0.002%). This variant has not been reported in the literature in individuals affected with ZNF469-related conditions. An algorithm developed to predict the effect of missense changes on protein structure and function outputs the following: PolyPhen-2: "Benign". The alanine amino acid residue is found in multiple mammalian species, which suggests that this missense change does not adversely affect protein function. In summary, the available evidence is currently insufficient to determine the role of this variant in disease. Therefore, it has been classified as a Variant of Uncertain Significance.

Ambry Genetics
Classification: Uncertain significance for Cardiovascular phenotype. Last evaluated: 2024-12-09. Review status: criteria provided, single submitter. Criteria: Ambry Variant Classification Scheme 2023. Collection method: clinical testing. Allele origin: germline.
Comment: The p.T2265A variant (also known as c.6793A>G), located in coding exon 2 of the ZNF469 gene, results from an A to G substitution at nucleotide position 6793. The threonine at codon 2265 is replaced by alanine, an amino acid with similar properties. This amino acid position is conserved. In addition, this alteration is predicted to be tolerated by in silico analysis. Based on the available evidence, the clinical significance of this variant remains unclear.

NM_001367624.2(ZNF469):c.6877A>G (p.Thr2293Ala)

Gene: ZNF469 (zinc finger protein 469; plus strand). Cytogenetic location: 16q24.2.
Variant type: single nucleotide variant.
Coding change: c.6877A>G on transcript NM_001367624.2 (MANE Select); coding-DNA position 6877, A replaced by G.
Protein change: p.Thr2293Ala; replaces threonine 2293 with alanine.
Molecular consequence: missense variant.
Genome position (GRCh38, 1-based): chr16:88,434,347, A>G. VCF-style: chr16-88434347-A-G. GRCh37 (hg19) VCF-style: chr16-88500755-A-G.
Other names: NM_001127464.1:c.6793A>G; short protein forms T2293A.
Identifiers: ClinVar variation 3476291 (VCV003476291.3).